The following is an entry in ClinVar:

NM_013275.6(ANKRD11):c.1531del (p.Asp511fs)

Gene: ANKRD11 (ankyrin repeat domain 11; minus strand). Cytogenetic location: 16q24.3.
Variant type: Deletion.
Coding change: c.1531del on transcript NM_013275.6 (MANE Select); coding-DNA position 1531, one base deleted (G; older notation c.1531delG).
Protein change: p.Asp511fs; shifts the reading frame from aspartic acid 511.
Molecular consequence: frameshift variant.
Genome position (GRCh38, 1-based): chr16:89,285,011, C deleted on the plus strand (G on the coding strand, the reverse complement: ANKRD11 is on the minus strand); the first of 2 consecutive C bases (chr16:89,285,011-89,285,012); deleting either gives the same sequence. VCF-style (leftmost placement, unchanged base first): chr16-89285010-TC-T. GRCh37 (hg19) VCF-style: chr16-89351418-TC-T.
Other names: NP_037407.4:p.(Asp511ThrfsTer63); c.1531del, p.Asp511fs (NM_001256182.2, NM_001256183.2); short protein forms D511fs.
Identifiers: ClinVar variation 4876219 (VCV004876219.1).

ClinVar aggregate classification (germline): Likely pathogenic (1 of 4 stars; one submission).

Conditions:
KBG syndrome (KBGS). Also called: ANKRD11-Related KBG Syndrome. Identifiers: Orphanet 2332, MedGen C0220687, MONDO:0007846, OMIM 148050.

Submission:

Umrani?ye Training and Research Hospital
Classification: Likely pathogenic for KBG syndrome. Last evaluated: 2026-06-29. Review status: criteria provided, single submitter. Criteria: ACMG Guidelines, 2015. Collection method: clinical testing. Allele origin: germline. Inheritance: Autosomal dominant inheritance. Affected: yes.
Comment: PVS1, PM2

Literature cited by the submitters: PubMed 42808190.